The following is an entry in ClinVar:

ClinVar aggregate classification (germline): Uncertain significance. Review status: criteria provided, multiple submitters, no conflicts (2 of 4 stars). 3 submissions from 3 submitters: Uncertain significance (3). Last evaluated 2025-11-26.

Conditions:
Inborn genetic diseases. Identifiers: MedGen C0950123, MeSH D030342.
CYP4V2-related disorder. Also called: CYP4V2-related disorders; CYP4V2-related condition.

Allele frequency attached by ClinVar (database versions not stated): ESP Exome Variant Server 0.00008; TOPMed 0.00013.
gnomAD v4.1: 47 of 1,614,068 alleles (0.0029%); highest among the groups gnomAD compares: African/African-American, 0.044%; no homozygotes.

Submissions (3):

Ambry Genetics
Classification: Uncertain significance for Inborn genetic diseases. Last evaluated: 2025-11-26. Review status: criteria provided, single submitter. Criteria: Ambry Variant Classification Scheme 2023. Collection method: clinical testing. Allele origin: germline.

PreventionGenetics, part of Exact Sciences
Classification: Uncertain significance for CYP4V2-related condition. Last evaluated: 2025-11-07. Review status: criteria provided, single submitter. Criteria: ACMG Guidelines, 2015. Collection method: clinical testing. Allele origin: germline.
Comment: The CYP4V2 c.1441C>G variant is predicted to result in the amino acid substitution p.Leu481Val. To our knowledge, this variant has not been reported in the literature. This variant is reported in 0.052% of alleles in individuals of African descent in gnomAD, which may be too frequent to be a primary cause of disease. Although we suspect that this variant may be benign, at this time, the clinical significance of this variant is uncertain due to the absence of conclusive functional and genetic evidence.

Labcorp Genetics (formerly Invitae), Labcorp
Classification: Uncertain significance. Last evaluated: 2022-11-01. Review status: criteria provided, single submitter. Criteria: Invitae Variant Classification Sherloc (09022015). Collection method: clinical testing. Allele origin: germline.
Comment: This sequence change replaces leucine, which is neutral and non-polar, with valine, which is neutral and non-polar, at codon 481 of the CYP4V2 protein (p.Leu481Val). This variant is present in population databases (rs368359294, gnomAD 0.05%). This variant has not been reported in the literature in individuals affected with CYP4V2-related conditions. ClinVar contains an entry for this variant (Variation ID: 862610). Advanced modeling of protein sequence and biophysical properties (such as structural, functional, and spatial information, amino acid conservation, physicochemical variation, residue mobility, and thermodynamic stability) performed at Invitae indicates that this missense variant is expected to disrupt CYP4V2 protein function. In summary, the available evidence is currently insufficient to determine the role of this variant in disease. Therefore, it has been classified as a Variant of Uncertain Significance.

NM_207352.4(CYP4V2):c.1441C>G (p.Leu481Val)

Gene: CYP4V2 (cytochrome P450 family 4 subfamily V member 2; plus strand). Cytogenetic location: 4q35.2.
Variant type: single nucleotide variant.
Coding change: c.1441C>G on transcript NM_207352.4 (MANE Select); coding-DNA position 1441, C replaced by G.
Protein change: p.Leu481Val; replaces leucine 481 with valine.
Molecular consequence: missense variant.
Genome position (GRCh38, 1-based): chr4:186,210,504, C>G. VCF-style: chr4-186210504-C-G. GRCh37 (hg19) VCF-style: chr4-187131658-C-G.
Other names: short protein forms L481V.
Identifiers: ClinVar variation 862610 (VCV000862610.7), dbSNP rs368359294, ClinGen allele CA3162864.